The following is an entry in ClinVar:

ClinVar aggregate classification (germline): Uncertain significance (1 of 4 stars; one submission).

Allele frequency attached by ClinVar (database versions not stated): gnomAD 0.00001.

Submission:

Labcorp Genetics (formerly Invitae), Labcorp
Classification: Uncertain significance. Last evaluated: 2025-05-19. Review status: criteria provided, single submitter. Criteria: Invitae Variant Classification Sherloc (09022015). Collection method: clinical testing. Allele origin: germline.
Comment: This sequence change replaces alanine, which is neutral and non-polar, with threonine, which is neutral and polar, at codon 6 of the NDUFS2 protein (p.Ala6Thr). This variant is not present in population databases (gnomAD no frequency). This variant has not been reported in the literature in individuals affected with NDUFS2-related conditions. ClinVar contains an entry for this variant (Variation ID: 2901771). An algorithm developed to predict the effect of missense changes on protein structure and function (PolyPhen-2) suggests that this variant is likely to be tolerated. In summary, the available evidence is currently insufficient to determine the role of this variant in disease. Therefore, it has been classified as a Variant of Uncertain Significance.

NM_001377299.1(NDUFS2):c.16G>A (p.Ala6Thr)

Genes: NDUFS2 (NADH:ubiquinone oxidoreductase core subunit S2; plus strand), LOC129931761 (ATAC-STARR-seq lymphoblastoid active region 1985; plus strand). Cytogenetic location: 1q23.3.
Variant type: single nucleotide variant.
Coding change: c.16G>A on transcript NM_001377299.1 (MANE Select); coding-DNA position 16, G replaced by A.
Protein change: p.Ala6Thr; replaces alanine 6 with threonine.
Molecular consequence: missense variant. On other transcripts: non-coding transcript variant (1).
Genome position (GRCh38, 1-based): chr1:161,202,401, G>A. VCF-style: chr1-161202401-G-A. GRCh37 (hg19) VCF-style: chr1-161172191-G-A.
Other names: c.16G>A, p.Ala6Thr (NM_001166159.2, NM_001377298.1, NM_001377300.1 and 4 more transcripts); short protein forms A6T.
Identifiers: ClinVar variation 2901771 (VCV002901771.3), dbSNP rs774674149, ClinGen allele CA343376591.
Genomic context (GRCh38, chr1:161,202,401, plus strand): 5'-TACTTCCGCCCGGTTCTCCTTCCCGCAGTCTGCAGCCGGAGTAAGATGGCGGCGCTGAGG[G>A]CTTTGTGCGGCTTCCGGGGCGTCGCGGCCCAGGTGCTGCGGCCTGGGGCTGGAGTCCGAT-3'
Protein context (NP_001364228.1, residues 1-16): MAALR[Ala6Thr]LCGFRGVAAQ